The following is an entry in ClinVar:

ClinVar aggregate classification (germline): Uncertain significance (1 of 4 stars; one submission).

gnomAD v4.1: 1 of 1,613,442 alleles (0.000062%); highest among the groups gnomAD compares: Non-Finnish European, 0.000085%; no homozygotes.

Submission:

GeneDx
Classification: Uncertain significance. Last evaluated: 2022-10-03. Review status: criteria provided, single submitter. Criteria: GeneDx Variant Classification Process June 2021. Collection method: clinical testing. Allele origin: germline. Affected: yes.
Comment: Not observed at significant frequency in large population cohorts (gnomAD); In silico analysis supports that this missense variant does not alter protein structure/function; Has not been previously published as pathogenic or benign to our knowledge

NM_001257180.2(SLC20A2):c.1807G>A (p.Val603Met)

Gene: SLC20A2 (solute carrier family 20 member 2; minus strand). Cytogenetic location: 8p11.21.
Variant type: single nucleotide variant.
Coding change: c.1807G>A on transcript NM_001257180.2 (MANE Select); coding-DNA position 1807, G replaced by A.
Protein change: p.Val603Met; replaces valine 603 with methionine.
Molecular consequence: missense variant.
Genome position (GRCh38, 1-based): chr8:42,417,955, C>T on the plus strand (G>A on the coding strand, the complement: SLC20A2 is on the minus strand). VCF-style: chr8-42417955-C-T. GRCh37 (hg19) VCF-style: chr8-42275473-C-T.
Other names: c.1807G>A, p.Val603Met (NM_001257181.2, NM_006749.5); short protein forms V603M.
Identifiers: ClinVar variation 2446690 (VCV002446690.1), dbSNP rs766868553, ClinGen allele CA371094287.